The following is an entry in ClinVar:

ClinVar aggregate classification (germline): Likely benign. Review status: criteria provided, multiple submitters, no conflicts (2 of 4 stars). 4 submissions from 4 submitters: Likely benign (4). Last evaluated 2025-05-05.

Allele frequency attached by ClinVar (database versions not stated): gnomAD exomes 0.00009 and 0.00026; ExAC 0.00034; 1000 Genomes Project 30x 0.00047; 1000 Genomes Project 0.00060; gnomAD 0.00107 and 0.00116; TOPMed 0.00138; ESP Exome Variant Server 0.00169.
gnomAD v4.1: 306 of 1,614,248 alleles (0.019%); highest among the groups gnomAD compares: African/African-American, 0.37%; 1 homozygote.

Submissions (4):

Women's Health and Genetics/Laboratory Corporation of America, LabCorp
Classification: Likely benign. Last evaluated: 2025-05-05. Review status: criteria provided, single submitter. Criteria: LabCorp Variant Classification Summary - May 2015. Collection method: clinical testing. Allele origin: germline.

CeGaT Center for Human Genetics Tuebingen
Classification: Likely benign. Last evaluated: 2024-07-01. Review status: criteria provided, single submitter. Criteria: CeGaT Center For Human Genetics Tuebingen Variant Classification Criteria Version 2. Collection method: clinical testing. Allele origin: germline. Affected: yes. Observed: 1 variant allele.
Comment: VWF: BP4, BP7

Blueprint Genetics
Classification: Likely benign. Last evaluated: 2024-05-29. Review status: criteria provided, single submitter. Criteria: ACMG Guidelines, 2015. Collection method: clinical testing. Allele origin: germline.

Genetic Services Laboratory, University of Chicago
Classification: Likely benign. Last evaluated: 2020-12-02. Review status: criteria provided, single submitter. Criteria: ACMG Guidelines, 2015. Collection method: clinical testing. Allele origin: germline. Affected: no.

NM_000552.5(VWF):c.8289C>T (p.Asp2763=)

Gene: VWF (von Willebrand factor; minus strand). Cytogenetic location: 12p13.31.
Variant type: single nucleotide variant.
Coding change: c.8289C>T on transcript NM_000552.5 (MANE Select); coding-DNA position 8289, C replaced by T.
Protein change: p.Asp2763=; no amino-acid change (aspartic acid 2763 retained).
Molecular consequence: synonymous variant.
Genome position (GRCh38, 1-based): chr12:5,949,168, G>A on the plus strand (C>T on the coding strand, the complement: VWF is on the minus strand). VCF-style: chr12-5949168-G-A. GRCh37 (hg19) VCF-style: chr12-6058334-G-A.
Identifiers: ClinVar variation 1337680 (VCV001337680.22), dbSNP rs149309674, ClinGen allele CA6401338.